The following is an entry in ClinVar:

ClinVar aggregate classification (germline): Uncertain significance. Review status: criteria provided, multiple submitters, no conflicts (2 of 4 stars). 2 submissions from 2 submitters: Uncertain significance (2). Last evaluated 2023-05-04.

Conditions:
Inborn genetic diseases. Identifiers: MedGen C0950123, MeSH D030342.
Hereditary sensory and autonomic neuropathy type 7. Also called: HSAN VII; Neuropathy, hereditary sensory and autonomic, type VII. Identifiers: Orphanet 391397, MedGen C3809882, MONDO:0014244, OMIM 615548.
Familial episodic pain syndrome with predominantly lower limb involvement. Also called: Episodic pain syndrome, familial, 3. Identifiers: Orphanet 391384, Orphanet 391392, MedGen C3809899, MONDO:0014247, OMIM 615552.

Allele frequency attached by ClinVar (database versions not stated): gnomAD 0.00001; TOPMed 0.00001.
gnomAD v4.1: 14 of 1,614,078 alleles (0.00087%); highest among the groups gnomAD compares: Non-Finnish European, 0.0012%; no homozygotes.

Submissions (2):

Labcorp Genetics (formerly Invitae), Labcorp
Classification: Uncertain significance for Familial episodic pain syndrome with predominantly lower limb involvement; Hereditary sensory and autonomic neuropathy type 7. Last evaluated: 2023-05-04. Review status: criteria provided, single submitter. Criteria: Invitae Variant Classification Sherloc (09022015). Collection method: clinical testing. Allele origin: germline.
Comment: In summary, the available evidence is currently insufficient to determine the role of this variant in disease. Therefore, it has been classified as a Variant of Uncertain Significance. Advanced modeling of protein sequence and biophysical properties (such as structural, functional, and spatial information, amino acid conservation, physicochemical variation, residue mobility, and thermodynamic stability) performed at Invitae indicates that this missense variant is expected to disrupt SCN11A protein function. ClinVar contains an entry for this variant (Variation ID: 1444490). This variant has not been reported in the literature in individuals affected with SCN11A-related conditions. This variant is present in population databases (no rsID available, gnomAD 0.007%). This sequence change replaces isoleucine, which is neutral and non-polar, with serine, which is neutral and polar, at codon 1500 of the SCN11A protein (p.Ile1500Ser).

Ambry Genetics
Classification: Uncertain significance for Inborn genetic diseases. Last evaluated: 2020-11-03. Review status: criteria provided, single submitter. Criteria: Ambry Variant Classification Scheme 2023. Collection method: clinical testing. Allele origin: germline.
Comment: The p.I1500S variant (also known as c.4499T>G), located in coding exon 26 of the SCN11A gene, results from a T to G substitution at nucleotide position 4499. The isoleucine at codon 1500 is replaced by serine, an amino acid with dissimilar properties. This amino acid position is highly conserved in available vertebrate species. In addition, this alteration is predicted to be deleterious by in silico analysis. Since supporting evidence is limited at this time, the clinical significance of this alteration remains unclear.

NM_001349253.2(SCN11A):c.4499T>G (p.Ile1500Ser)

Gene: SCN11A (sodium voltage-gated channel alpha subunit 11; minus strand). Cytogenetic location: 3p22.2.
Variant type: single nucleotide variant.
Coding change: c.4499T>G on transcript NM_001349253.2 (MANE Select); coding-DNA position 4499, T replaced by G.
Protein change: p.Ile1500Ser; replaces isoleucine 1500 with serine.
Molecular consequence: missense variant.
Genome position (GRCh38, 1-based): chr3:38,847,571, A>C on the plus strand (T>G on the coding strand, the complement: SCN11A is on the minus strand). VCF-style: chr3-38847571-A-C. GRCh37 (hg19) VCF-style: chr3-38889062-A-C.
Other names: c.4499T>G, p.Ile1500Ser (NM_014139.3); short protein forms I1500S.
Identifiers: ClinVar variation 1444490 (VCV001444490.10), dbSNP rs1460417708, ClinGen allele CA352163646.